The following is an entry in ClinVar:

NM_033380.3(COL4A5):c.2597G>A (p.Gly866Glu)

Gene: COL4A5 (collagen type IV alpha 5 chain; plus strand). Cytogenetic location: Xq22.3.
Variant type: single nucleotide variant.
Coding change: c.2597G>A on transcript NM_033380.3 (MANE Select); coding-DNA position 2597, G replaced by A.
Protein change: p.Gly866Glu; replaces glycine 866 with glutamic acid.
Molecular consequence: missense variant.
Genome position (GRCh38, 1-based): chrX:108,620,346, G>A. VCF-style: chrX-108620346-G-A. GRCh37 (hg19) VCF-style: chrX-107863576-G-A.
Other names: c.2597G>A, p.Gly866Glu (NM_000495.5); short protein forms G866E.
Identifiers: ClinVar variation 24541 (VCV000024541.4), dbSNP rs104886188, ClinGen allele CA258717.

ClinVar aggregate classification (germline): Likely pathogenic (1 of 4 stars; one submission).

Conditions:
X-linked Alport syndrome (ATS1). Also called: COL4A5-Related Nephropathy; NEPHROPATHY AND DEAFNESS, X-LINKED. Identifiers: Orphanet 63, Orphanet 88917, MedGen C4746986, MONDO:0010520, OMIM 301050.

Submission:

Precision Medicine Center, Zhengzhou University
Classification: Likely pathogenic for X-linked Alport syndrome. Review status: criteria provided, single submitter. Criteria: ACMG Guidelines, 2015. Collection method: research. Allele origin: germline. Affected: yes.
Comment: PM1:Located in a mutational hot spot PM2:not found in gnomAD PP2:Missense variant in a gene that has a low rate of benign missense variation and in which missense variants are a common mechanism of disease PP3:Multiple lines of computational evidence support a deleterious effect on the gene or gene product